The following is an entry in ClinVar:

ClinVar aggregate classification (germline): Benign. Review status: criteria provided, multiple submitters, no conflicts (2 of 4 stars). 2 submissions from 2 submitters: Benign (2). Last evaluated 2018-01-13.

Conditions:
Renal tubular dysgenesis. Also called: Renotubular dysgenesis. Identifiers: Orphanet 3033, MedGen C0266313, MONDO:0017609, HP:0008660.

Allele frequency attached by ClinVar (database versions not stated): gnomAD 0.03105 and 0.03346; TOPMed 0.03404; 1000 Genomes Project 0.03415; 1000 Genomes Project 30x 0.03482.

Submissions (2):

Illumina Laboratory Services, Illumina
Classification: Benign for Renal tubular dysgenesis of genetic origin. Last evaluated: 2018-01-13. Review status: criteria provided, single submitter. Criteria: ICSL Variant Classification Criteria 13 December 2019. Collection method: clinical testing. Allele origin: germline.
Comment: This variant was observed in the ICSL laboratory as part of a predisposition screen in an ostensibly healthy population. It had not been previously curated by ICSL or reported in the Human Gene Mutation Database (HGMD: prior to June 1st, 2018), and was therefore a candidate for classification through an automated scoring system. Utilizing variant allele frequency, disease prevalence and penetrance estimates, and inheritance mode, an automated score was calculated to assess if this variant is too frequent to cause the disease. Based on the score and internal cut-off values, a variant classified as benign is not then subjected to further curation. The score for this variant resulted in a classification of benign for this disease.

Breakthrough Genomics
Classification: Benign. Review status: criteria provided, single submitter. Criteria: ACMG Guidelines, 2015. Collection method: not provided. Allele origin: germline. Inheritance: Autosomal recessive inheritance. Affected: yes.

NM_000685.5(AGTR1):c.*317G>A

Gene: AGTR1 (angiotensin II receptor type 1; plus strand). Cytogenetic location: 3q24.
Variant type: single nucleotide variant.
Coding change: c.*317G>A on transcript NM_000685.5 (MANE Select); 317 bases downstream of the stop codon, G replaced by A.
Molecular consequence: 3 prime UTR variant.
Genome position (GRCh38, 1-based): chr3:148,742,432, G>A. VCF-style: chr3-148742432-G-A. GRCh37 (hg19) VCF-style: chr3-148460219-G-A.
Other names: c.*317G>A (NM_001382736.1, NM_001382737.1, NM_004835.5 and 3 more transcripts).
Identifiers: ClinVar variation 343680 (VCV000343680.6), dbSNP rs5188, ClinGen allele CA10617450.